The following is an entry in ClinVar:

ClinVar aggregate classification (germline): Uncertain significance (1 of 4 stars; one submission).

Conditions:
Gorlin syndrome. Also called: Basal cell nevus syndrome; Nevoid Basal Cell Carcinoma Syndrome. Identifiers: Orphanet 377, MedGen C0004779, MONDO:0007187.

Allele frequency attached by ClinVar (database versions not stated): TOPMed below 0.00001; ExAC 0.00001; gnomAD exomes 0.00001; 1000 Genomes Project 30x 0.00016; 1000 Genomes Project 0.00020.

Submission:

Labcorp Genetics (formerly Invitae), Labcorp
Classification: Uncertain significance for Gorlin syndrome. Last evaluated: 2023-03-31. Review status: criteria provided, single submitter. Criteria: Invitae Variant Classification Sherloc (09022015). Collection method: clinical testing. Allele origin: germline.
Comment: ClinVar contains an entry for this variant (Variation ID: 949896). This sequence change replaces alanine, which is neutral and non-polar, with valine, which is neutral and non-polar, at codon 389 of the PTCH2 protein (p.Ala389Val). This variant is present in population databases (rs566147210, gnomAD 0.007%). This variant has not been reported in the literature in individuals affected with PTCH2-related conditions. Advanced modeling of protein sequence and biophysical properties (such as structural, functional, and spatial information, amino acid conservation, physicochemical variation, residue mobility, and thermodynamic stability) performed at Invitae indicates that this missense variant is not expected to disrupt PTCH2 protein function. In summary, the available evidence is currently insufficient to determine the role of this variant in disease. Therefore, it has been classified as a Variant of Uncertain Significance.

NM_003738.5(PTCH2):c.1166C>T (p.Ala389Val)

Gene: PTCH2 (patched 2; minus strand). Cytogenetic location: 1p34.1.
Variant type: single nucleotide variant.
Coding change: c.1166C>T on transcript NM_003738.5 (MANE Select); coding-DNA position 1166, C replaced by T.
Protein change: p.Ala389Val; replaces alanine 389 with valine.
Molecular consequence: missense variant.
Genome position (GRCh38, 1-based): chr1:44,829,451, G>A on the plus strand (C>T on the coding strand, the complement: PTCH2 is on the minus strand). VCF-style: chr1-44829451-G-A. GRCh37 (hg19) VCF-style: chr1-45295123-G-A.
Other names: c.1166C>T, p.Ala389Val (NM_001166292.2); short protein forms A389V.
Identifiers: ClinVar variation 949896 (VCV000949896.8), dbSNP rs566147210, ClinGen allele CA823407.